The following is an entry in ClinVar:

ClinVar aggregate classification (germline): Uncertain significance (1 of 4 stars; one submission).

Conditions:
Bloom syndrome (BLM). Also called: Bloom-Torre-Machacek syndrome. Identifiers: Orphanet 125, MedGen C0005859, MONDO:0008876, OMIM 210900.

Submission:

Labcorp Genetics (formerly Invitae), Labcorp
Classification: Uncertain significance for Bloom syndrome. Last evaluated: 2024-02-15. Review status: criteria provided, single submitter. Criteria: Invitae Variant Classification Sherloc (09022015). Collection method: clinical testing. Allele origin: germline.
Comment: This sequence change replaces threonine, which is neutral and polar, with serine, which is neutral and polar, at codon 528 of the BLM protein (p.Thr528Ser). This variant is not present in population databases (gnomAD no frequency). This variant has not been reported in the literature in individuals affected with BLM-related conditions. Advanced modeling of protein sequence and biophysical properties (such as structural, functional, and spatial information, amino acid conservation, physicochemical variation, residue mobility, and thermodynamic stability) performed at Invitae indicates that this missense variant is not expected to disrupt BLM protein function with a negative predictive value of 80%. In summary, the available evidence is currently insufficient to determine the role of this variant in disease. Therefore, it has been classified as a Variant of Uncertain Significance.

NM_000057.4(BLM):c.1582A>T (p.Thr528Ser)

Gene: BLM (BLM RecQ like helicase; plus strand). Cytogenetic location: 15q26.1.
Variant type: single nucleotide variant.
Coding change: c.1582A>T on transcript NM_000057.4 (MANE Select); coding-DNA position 1582, A replaced by T.
Protein change: p.Thr528Ser; replaces threonine 528 with serine.
Molecular consequence: missense variant.
Genome position (GRCh38, 1-based): chr15:90,760,955, A>T. VCF-style: chr15-90760955-A-T. GRCh37 (hg19) VCF-style: chr15-91304185-A-T.
Other names: c.1582A>T, p.Thr528Ser (NM_001287246.2, NM_001287247.2); c.457A>T, p.Thr153Ser (NM_001287248.2); short protein forms T153S, T528S.
Identifiers: ClinVar variation 3638471 (VCV003638471.2).
Genomic context (GRCh38, chr15:90,760,955, plus strand): 5'-ACACCAAGACTAGGAAAAAAAAATGAAAGCTCTTATTTCCCAGGAAATGTTCTCACAAGC[A>T]CTGCTGTGAAAGATCAGAATAAACATACTGCTTCAATAAATGACTTAGAAAGAGAAACCC-3'
Protein context (NP_000048.1, residues 518-538): SYFPGNVLTS[Thr528Ser]AVKDQNKHTA